The following is an entry in ClinVar:

NM_001267550.2(TTN):c.106069T>C (p.Tyr35357His)

Genes: TTN (titin; minus strand), TTN-AS1 (TTN antisense RNA 1; plus strand), LOC129935182 (ATAC-STARR-seq lymphoblastoid active region 16807; plus strand). Cytogenetic location: 2q31.2.
Variant type: single nucleotide variant.
Coding change: c.106069T>C on transcript NM_001267550.2 (MANE Select); coding-DNA position 106069, T replaced by C.
Protein change: p.Tyr35357His; replaces tyrosine 35357 with histidine.
Molecular consequence: missense variant.
Genome position (GRCh38, 1-based): chr2:178,530,546, A>G on the plus strand (T>C on the coding strand, the complement: TTN is on the minus strand). VCF-style: chr2-178530546-A-G. GRCh37 (hg19) VCF-style: chr2-179395273-A-G.
Other names: c.101146T>C, p.Tyr33716His (NM_001256850.1); c.78874T>C, p.Tyr26292His (NM_003319.4); c.98365T>C, p.Tyr32789His (NM_133378.4); c.79249T>C, p.Tyr26417His (NM_133432.3); c.79450T>C, p.Tyr26484His (NM_133437.4); short protein forms Y26292H, Y26417H, Y26484H, Y32789H, Y33716H, Y35357H.
Identifiers: ClinVar variation 3756130 (VCV003756130.2).

ClinVar aggregate classification (germline): Uncertain significance (1 of 4 stars; one submission).

Conditions:
Dilated cardiomyopathy 1G (CMD1G). Identifiers: Orphanet 154, MedGen C1858763, MONDO:0011400, OMIM 604145.
Autosomal recessive limb-girdle muscular dystrophy type 2J (LGMDR10). Also called: Limb-girdle muscular dystrophy, type 2J; MUSCULAR DYSTROPHY, LIMB-GIRDLE, AUTOSOMAL RECESSIVE 10. Identifiers: Orphanet 140922, MedGen C1837342, MONDO:0012127, OMIM 608807.

gnomAD v4.1: 1 of 1,613,874 alleles (0.000062%); highest among the groups gnomAD compares: Admixed American, 0.0017%; no homozygotes.

Submission:

Labcorp Genetics (formerly Invitae), Labcorp
Classification: Uncertain significance for Dilated cardiomyopathy 1G; Autosomal recessive limb-girdle muscular dystrophy type 2J. Last evaluated: 2024-05-01. Review status: criteria provided, single submitter. Criteria: Invitae Variant Classification Sherloc (09022015). Collection method: clinical testing. Allele origin: germline.
Comment: This sequence change replaces tyrosine, which is neutral and polar, with histidine, which is basic and polar, at codon 35357 of the TTN protein (p.Tyr35357His). This variant is not present in population databases (gnomAD no frequency). This variant has not been reported in the literature in individuals affected with TTN-related conditions. Experimental studies and prediction algorithms are not available or were not evaluated, and the functional significance of this variant is currently unknown. This variant is located in the M band of TTN (PMID: 25589632). Non-truncating variants in this region may be relevant for neuromuscular disorders, but have not been definitively shown to cause cardiomyopathy (PMID: 23975875). In summary, the available evidence is currently insufficient to determine the role of this variant in disease. Therefore, it has been classified as a Variant of Uncertain Significance.

Literature cited by the submitters: PubMed 25589632; PubMed 23975875.